The following is an entry in ClinVar:

NM_015278.5(SASH1):c.1464G>A (p.Pro488=)

Gene: SASH1 (SAM and SH3 domain containing 1; plus strand). Cytogenetic location: 6q25.1.
Variant type: single nucleotide variant.
Coding change: c.1464G>A on transcript NM_015278.5 (MANE Select); coding-DNA position 1464, G replaced by A.
Protein change: p.Pro488=; no amino-acid change (proline 488 retained).
Molecular consequence: synonymous variant.
Genome position (GRCh38, 1-based): chr6:148,531,561, G>A. VCF-style: chr6-148531561-G-A. GRCh37 (hg19) VCF-style: chr6-148852697-G-A.
Other names: c.1329G>A, p.Pro443= (NM_001346505.2); c.1092G>A, p.Pro364= (NM_001346506.2); c.747G>A, p.Pro249= (NM_001346507.2); c.1236G>A, p.Pro412= (NM_001346508.2); c.1113G>A, p.Pro371= (NM_001346509.2).
Identifiers: ClinVar variation 3053806 (VCV003053806.3), dbSNP rs150728102, ClinGen allele CA4040333.
Genomic context (GRCh38, chr6:148,531,561, plus strand): 5'-TTCATTTTGTTGAAACCCATGGCAGGACTCGGGCCTTGATGGAATGCCTGGCTCCCCTCC[G>A]CCTTCACAGCCCGACCCCGAACACTTGGACAAGCCCAAGCTCAAGGCCGGGGGTTCTGTA-3'
Protein context (NP_056093.3, residues 478-498): SGLDGMPGSP[Pro488=]PSQPDPEHLD

ClinVar aggregate classification (germline): Likely benign. Review status: criteria provided, single submitter (1 of 4 stars). 2 submissions from 2 submitters: Likely benign (1). 1 of the submissions does not count toward it. Last evaluated 2024-09-25.

Conditions:
SASH1-related disorder. Also called: SASH1-related condition.

Allele frequency attached by ClinVar (database versions not stated): ESP Exome Variant Server 0.00015; TOPMed 0.00027; ExAC 0.00036; gnomAD 0.00036; 1000 Genomes Project 0.00040; 1000 Genomes Project 30x 0.00047.
gnomAD v4.1: 489 of 1,558,910 alleles (0.031%); highest among the groups gnomAD compares: East Asian, 0.25%; 1 homozygote.

Submissions (2):

Blueprint Genetics
Classification: Likely benign. Last evaluated: 2024-09-25. Review status: criteria provided, single submitter. Criteria: ACMG Guidelines, 2015. Collection method: clinical testing. Allele origin: germline.

PreventionGenetics, part of Exact Sciences
Classification: Likely benign for SASH1-related condition. Last evaluated: 2019-10-28. Review status: no assertion criteria provided. Collection method: clinical testing. Allele origin: germline. Not counted in ClinVar's aggregate classification.
Comment: This variant is classified as likely benign based on ACMG/AMP sequence variant interpretation guidelines (Richards et al. 2015 PMID: 25741868, with internal and published modifications).